The following is an entry in ClinVar:

NM_001127222.2(CACNA1A):c.5768G>A (p.Arg1923Gln)

Gene: CACNA1A (calcium voltage-gated channel subunit alpha1 A; minus strand). Cytogenetic location: 19p13.13.
Variant type: single nucleotide variant.
Coding change: c.5768G>A on transcript NM_001127222.2 (MANE Select); coding-DNA position 5768, G replaced by A.
Protein change: p.Arg1923Gln; replaces arginine 1923 with glutamine.
Molecular consequence: missense variant.
Genome position (GRCh38, 1-based): chr19:13,214,572, C>T on the plus strand (G>A on the coding strand, the complement: CACNA1A is on the minus strand). VCF-style: chr19-13214572-C-T. GRCh37 (hg19) VCF-style: chr19-13325386-C-T.
Other names: c.5786G>A, p.Arg1929Gln (NM_000068.4, NM_023035.3); c.5771G>A, p.Arg1924Gln (NM_001127221.2); c.5777G>A, p.Arg1926Gln (NM_001174080.2); c.5771G>A (NM_000068.2); short protein forms R1924Q, R1923Q, R1926Q, R1929Q.
Identifiers: ClinVar variation 422445 (VCV000422445.8), dbSNP rs771636070, ClinGen allele CA9239590.
Genomic context (GRCh38, chr19:13,214,572, plus strand): 5'-GTGACCAGCAGGTCTAGCGTCTTCTGGGACAGATTGGGCCAAATCGCCATCATCTCCTTC[C>T]GCAGCTCAGCGTCCATCTGCTGTTTGTCGGCTCCTCCTGCAATGGGGGTGTAGACAGACC-3'
Protein context (NP_001120694.1, residues 1913-1933): ADKQQMDAEL[Arg1923Gln]KEMMAIWPNL

ClinVar aggregate classification (germline): Conflicting classifications of pathogenicity. Review status: criteria provided, conflicting classifications (1 of 4 stars). 4 submissions from 4 submitters: Uncertain significance (3); Likely benign (1). Last evaluated 2026-01-05.

Conditions:
Episodic ataxia type 2 (EA2). Also called: ATAXIA, EPISODIC, WITH NYSTAGMUS; ATAXIA, FAMILIAL PAROXYSMAL; CEREBELLAR ATAXIA, PAROXYSMAL, ACETAZOLAMIDE-RESPONSIVE; CEREBELLOPATHY, HEREDITARY PAROXYSMAL; EPISODIC ATAXIA, NYSTAGMUS-ASSOCIATED; ACETAZOLAMIDE-RESPONSIVE HEREDITARY PAROXYSMAL CEREBELLAR ATAXIA. Identifiers: Orphanet 97, MedGen C1720416, MONDO:0007163, OMIM 108500.
Developmental and epileptic encephalopathy, 42 (DEE42A). Also called: Epileptic encephalopathy, early infantile, 42; DEVELOPMENTAL AND EPILEPTIC ENCEPHALOPATHY 42A; EPILEPTIC ENCEPHALOPATHY, EARLY INFANTILE, 42A. Identifiers: MedGen C4310716, MONDO:0014917, OMIM 617106.
Inborn genetic diseases. Identifiers: MedGen C0950123, MeSH D030342.

Allele frequency attached by ClinVar (database versions not stated): gnomAD exomes below 0.00001 and 0.00001; gnomAD 0.00001; TOPMed 0.00001; ExAC 0.00002.
gnomAD v4.1: 6 of 1,613,826 alleles (0.00037%); highest among the groups gnomAD compares: Admixed American, 0.0017%; no homozygotes.

Submissions (4):

Labcorp Genetics (formerly Invitae), Labcorp
Classification: Likely benign for Developmental and epileptic encephalopathy, 42; Episodic ataxia type 2. Last evaluated: 2026-01-05. Review status: criteria provided, single submitter. Criteria: Invitae Variant Classification Sherloc (09022015). Collection method: clinical testing. Allele origin: germline.

Ambry Genetics
Classification: Uncertain significance for Inborn genetic diseases. Last evaluated: 2025-08-01. Review status: criteria provided, single submitter. Criteria: Ambry Variant Classification Scheme 2023. Collection method: clinical testing. Allele origin: germline.

Athena Diagnostics
Classification: Uncertain significance. Last evaluated: 2025-04-11. Review status: criteria provided, single submitter. Criteria: Athena Diagnostics Criteria. Collection method: clinical testing. Allele origin: unknown.
Comment: Available data are insufficient to determine the clinical significance of the variant at this time. The frequency of this variant in the general population is uninformative in assessment of its pathogenicity. Polyphen and MutationTaster yielded discordant predictions regarding whether this amino acid change is damaging to the protein

GeneDx
Classification: Uncertain significance. Last evaluated: 2016-10-07. Review status: criteria provided, single submitter. Criteria: GeneDx Variant Classification (06012015). Collection method: clinical testing. Allele origin: germline. Affected: yes.
Comment: A variant of uncertain significance has been identified in the CACNA1A gene. The R1924Q variant has not been published as a pathogenic variant, nor has it been reported as a benign variant to our knowledge. It was not observed in approximately 6,450 individuals of European and African American ancestry in the NHLBI Exome Sequencing Project, indicating it is not a common benign variant in these populations. The R1924Q variant is a semi-conservative amino acid substitution, which may impact secondary protein structure as these residues differ in some properties. This substitution occurs at a position that is conserved across species, and in silico analysis predicts this variant is probably damaging to the protein structure/function. Based on the currently available information, it is unclear whether this variant is a pathogenic variant or a rare benign variant.